The following is an entry in ClinVar:

NM_015102.5(NPHP4):c.4155G>C (p.Glu1385Asp)

Gene: NPHP4 (nephrocystin 4; minus strand). Cytogenetic location: 1p36.31.
Variant type: single nucleotide variant.
Coding change: c.4155G>C on transcript NM_015102.5 (MANE Select); coding-DNA position 4155, G replaced by C.
Protein change: p.Glu1385Asp; replaces glutamic acid 1385 with aspartic acid.
Molecular consequence: missense variant. On other transcripts: non-coding transcript variant (1).
Genome position (GRCh38, 1-based): chr1:5,863,391, C>G on the plus strand (G>C on the coding strand, the complement: NPHP4 is on the minus strand). VCF-style: chr1-5863391-C-G. GRCh37 (hg19) VCF-style: chr1-5923451-C-G.
Other names: c.2616G>C, p.Glu872Asp (NM_001291593.2); c.2619G>C, p.Glu873Asp (NM_001291594.2); short protein forms E1385D, E873D, E872D.
Identifiers: ClinVar variation 4991355 (VCV004991355.1).
Genomic context (GRCh38, chr1:5,863,391, plus strand): 5'-CAGGATCTCCTCCTCACCCACTCTCTGACTAGGCGCAAACTGCAAGCCGATGGTGTAGGT[C>G]TCTCCACCCCCGACCTGGAAATAAGCATCCAAATCCCAGCATCCACCCCCGGGCTGTCCC-3'
Protein context (NP_055917.1, residues 1375-1395): REDSFQVGGG[Glu1385Asp]TYTIGLQFAP

ClinVar aggregate classification (germline): Uncertain significance (1 of 4 stars; one submission).

Conditions:
NPHP4-related disorder. Also called: NPHP4-related disorders; NPHP4-related condition. Identifiers: MedGen CN239384.

Submission:

PreventionGenetics, part of Exact Sciences
Classification: Uncertain significance for NPHP4-related condition. Last evaluated: 2026-07-01. Review status: criteria provided, single submitter. Criteria: ACMG Guidelines, 2015. Collection method: clinical testing. Allele origin: germline.
Comment: The NPHP4 c.4155G>C variant is predicted to result in the amino acid substitution p.Glu1385Asp. To our knowledge, this variant has not been reported in the literature or in a large population database (gnomAD), indicating this variant is rare. At this time, the clinical significance of this variant is uncertain due to the absence of conclusive functional and genetic evidence.